The following is an entry in ClinVar:

ClinVar aggregate classification (germline): Pathogenic. Review status: criteria provided, single submitter (1 of 4 stars). 2 submissions from 2 submitters: Pathogenic (1). 1 of the submissions does not count toward it. Last evaluated 2021-02-12.

Conditions:
Autosomal dominant Alport syndrome (ATS3A). Also called: ALPORT SYNDROME 3A, AUTOSOMAL DOMINANT; Alport syndrome dominant type; Renal failure and sensorineural hearing loss. Identifiers: Orphanet 63, Orphanet 88918, MedGen C5882663, MONDO:0007086, OMIM 104200.

Submissions (2):

Labcorp Genetics (formerly Invitae), Labcorp
Classification: Pathogenic. Last evaluated: 2021-02-12. Review status: criteria provided, single submitter. Criteria: Invitae Variant Classification Sherloc (09022015). Collection method: clinical testing. Allele origin: germline.
Comment: This sequence change creates a premature translational stop signal (p.Gln371*) in the COL4A3 gene. It is expected to result in an absent or disrupted protein product. This variant is not present in population databases (ExAC no frequency). This variant has been observed in individual(s) with clinical features of Alport syndrome (PMID: 15954103). Loss-of-function variants in COL4A3 are known to be pathogenic (PMID: 8956999, 24854265). For these reasons, this variant has been classified as Pathogenic.

Clinical Genetics Laboratory, University Hospital Schleswig-Holstein
Classification: Pathogenic for Autosomal dominant Alport syndrome. Last evaluated: 2024-05-30. Review status: no assertion criteria provided. Collection method: clinical testing. Allele origin: germline. Affected: yes. Not counted in ClinVar's aggregate classification.

Literature cited by the submitters: PubMed 15954103 (cited by Labcorp Genetics (formerly Invitae), Labcorp); PubMed 8956999 (cited by Labcorp Genetics (formerly Invitae), Labcorp); PubMed 24854265 (cited by Labcorp Genetics (formerly Invitae), Labcorp).

NM_000091.5(COL4A3):c.1111C>T (p.Gln371Ter)

Genes: COL4A3 (collagen type IV alpha 3 chain; plus strand), MFF-DT (MFF divergent transcript; minus strand). Cytogenetic location: 2q36.3.
Variant type: single nucleotide variant.
Coding change: c.1111C>T on transcript NM_000091.5 (MANE Select); coding-DNA position 1111, C replaced by T.
Protein change: p.Gln371Ter; replaces glutamine 371 with a stop codon.
Molecular consequence: nonsense.
Genome position (GRCh38, 1-based): chr2:227,259,874, C>T. VCF-style: chr2-227259874-C-T. GRCh37 (hg19) VCF-style: chr2-228124590-C-T.
Other names: short protein forms Q371*.
Identifiers: ClinVar variation 1071745 (VCV001071745.10), dbSNP rs2125956727, ClinGen allele CA350868506.